The following is an entry in ClinVar:

ClinVar aggregate classification (germline): Uncertain significance (1 of 4 stars; one submission).

Conditions:
Familial thoracic aortic aneurysm and aortic dissection (TAAD). Also called: Thoracic aortic aneurysms and dissections. Identifiers: Orphanet 91387, MedGen C4707243, MONDO:0019625.

Submission:

Labcorp Genetics (formerly Invitae), Labcorp
Classification: Uncertain significance for Familial thoracic aortic aneurysm and aortic dissection. Last evaluated: 2022-04-06. Review status: criteria provided, single submitter. Criteria: Invitae Variant Classification Sherloc (09022015). Collection method: clinical testing. Allele origin: germline.
Comment: Variants that disrupt the consensus splice site are a relatively common cause of aberrant splicing (PMID: 17576681, 9536098). Algorithms developed to predict the effect of sequence changes on RNA splicing suggest that this variant is not likely to affect RNA splicing. This sequence change falls in intron 3 of the TGFBR2 gene. It does not directly change the encoded amino acid sequence of the TGFBR2 protein. It affects a nucleotide within the consensus splice site. This variant is not present in population databases (gnomAD no frequency). This variant has not been reported in the literature in individuals affected with TGFBR2-related conditions. In summary, the available evidence is currently insufficient to determine the role of this variant in disease. Therefore, it has been classified as a Variant of Uncertain Significance.

Literature cited by the submitters: PubMed 17576681; PubMed 9536098.

NM_003242.6(TGFBR2):c.455-3C>T

Gene: TGFBR2 (transforming growth factor beta receptor 2; plus strand). Cytogenetic location: 3p24.1.
Variant type: single nucleotide variant.
Coding change: c.455-3C>T on transcript NM_003242.6 (MANE Select); 3 bases into the intron before coding-DNA position 455, C replaced by T.
Molecular consequence: intron variant.
Genome position (GRCh38, 1-based): chr3:30,671,635, C>T. VCF-style: chr3-30671635-C-T. GRCh37 (hg19) VCF-style: chr3-30713127-C-T.
Other names: c.458-3C>T (NM_001407129.1); c.350-3C>T (NM_001407132.1, NM_001407136.1, NM_001407133.1 and 2 more transcripts); c.638-3C>T (NM_001407126.1); c.530-3C>T (NM_001024847.3); c.530-16752C>T (NM_001407139.1); c.170-3C>T (NM_001407137.1); c.563-3C>T (NM_001407127.1); c.455-3C>T (NM_001407130.1); and 2 more.
Identifiers: ClinVar variation 2102944 (VCV002102944.4), dbSNP rs2125433185, ClinGen allele CA2580069222.